The following is an entry in ClinVar:

ClinVar aggregate classification (germline): Uncertain significance (1 of 4 stars; one submission).

Submission:

Labcorp Genetics (formerly Invitae), Labcorp
Classification: Uncertain significance. Last evaluated: 2023-12-01. Review status: criteria provided, single submitter. Criteria: Invitae Variant Classification Sherloc (09022015). Collection method: clinical testing. Allele origin: germline.
Comment: This variant, c.81_101dup, results in the insertion of 7 amino acid(s) of the ANKRD26 protein (p.Gly28_Ala34dup), but otherwise preserves the integrity of the reading frame. This variant is not present in population databases (gnomAD no frequency). This variant has not been reported in the literature in individuals affected with ANKRD26-related conditions. In summary, the available evidence is currently insufficient to determine the role of this variant in disease. Therefore, it has been classified as a Variant of Uncertain Significance.

NM_014915.3(ANKRD26):c.81_101dup (p.Ala34_Tyr35insGlyGluProGlyGluGlyAla)

Genes: ANKRD26 (ankyrin repeat domain 26; minus strand), LOC130003554 (ATAC-STARR-seq lymphoblastoid silent region 2243; plus strand). Cytogenetic location: 10p12.1.
Variant type: Duplication.
Coding change: c.81_101dup on transcript NM_014915.3 (MANE Select); coding-DNA positions 81 to 101, 21 bases duplicated (GGGCGAGCCGGGGGAGGGCGC).
Protein change: p.Ala34_Tyr35insGlyGluProGlyGluGlyAla.
Molecular consequence: inframe insertion.
Genome position (GRCh38, 1-based): chr10:27,100,226-27,100,246, GCGCCCTCCCCCGGCTCGCCC duplicated on the plus strand (GGGCGAGCCGGGGGAGGGCGC on the coding strand, the reverse complement: ANKRD26 is on the minus strand). VCF-style (leftmost placement, unchanged base first): chr10-27100225-G-GGCGCCCTCCCCCGGCTCGCCC. GRCh37 (hg19) VCF-style: chr10-27389154-G-GGCGCCCTCCCCCGGCTCGCCC.
Other names: c.81_101dup, p.Ala34_Tyr35insGlyGluProGlyGluGlyAla (NM_001256053.2).
Identifiers: ClinVar variation 2737825 (VCV002737825.3), dbSNP rs2539362481, ClinGen allele CA2697558294.